The following is an entry in ClinVar:

ClinVar aggregate classification (germline): Uncertain significance. Review status: criteria provided, multiple submitters, no conflicts (2 of 4 stars). 2 submissions from 2 submitters: Uncertain significance (2). Last evaluated 2025-01-06.

Conditions:
Developmental and epileptic encephalopathy, 1 (DEE1). Also called: INFANTILE SPASM SYNDROME, X-LINKED 1; X-linked infantile spasms; West's syndrome; Tonic spasms with clustering, arrest of psychomotor development and hypsarrhythmia on EEG; X-Linked Infantile Spasm Syndrome; OHTAHARA SYNDROME, X-LINKED. Identifiers: MedGen C3463992, MONDO:0010632, OMIM 308350. Disease mechanism: loss of function.
Autosomal dominant nonsyndromic hearing loss 65. Also called: TBC1D24-Related Autosomal Dominant Nonsyndromic Hearing Loss (DFNA); Deafness, autosomal dominant 65. Identifiers: Orphanet 90635, MedGen C3892048, MONDO:0014470, OMIM 616044.

Allele frequency attached by ClinVar (database versions not stated): TOPMed 0.00002.

Submissions (2):

GeneDx
Classification: Uncertain significance. Last evaluated: 2025-01-06. Review status: criteria provided, single submitter. Criteria: GeneDx Variant Classification Process June 2021. Collection method: clinical testing. Allele origin: germline. Affected: yes.
Comment: Not observed at significant frequency in large population cohorts (gnomAD); In silico analysis indicates that this missense variant does not alter protein structure/function; Has not been previously published as pathogenic or benign to our knowledge

Labcorp Genetics (formerly Invitae), Labcorp
Classification: Uncertain significance for Developmental and epileptic encephalopathy, 1; Autosomal dominant nonsyndromic hearing loss 65. Last evaluated: 2019-08-29. Review status: criteria provided, single submitter. Criteria: Invitae Variant Classification Sherloc (09022015). Collection method: clinical testing. Allele origin: germline.
Comment: In summary, the available evidence is currently insufficient to determine the role of this variant in disease. Therefore, it has been classified as a Variant of Uncertain Significance. Algorithms developed to predict the effect of missense changes on protein structure and function output the following: SIFT: "Tolerated"; PolyPhen-2: "Benign"; Align-GVGD: "Class C0". The valine amino acid residue is found in multiple mammalian species, suggesting that this missense change does not adversely affect protein function. These predictions have not been confirmed by published functional studies and their clinical significance is uncertain. This variant has not been reported in the literature in individuals with TBC1D24-related conditions. This variant is not present in population databases (ExAC no frequency). This sequence change replaces alanine with valine at codon 310 of the TBC1D24 protein (p.Ala310Val). The alanine residue is moderately conserved and there is a small physicochemical difference between alanine and valine.

NM_001199107.2(TBC1D24):c.929C>T (p.Ala310Val)

Gene: TBC1D24 (TBC1 domain family member 24; plus strand). Cytogenetic location: 16p13.3.
Variant type: single nucleotide variant.
Coding change: c.929C>T on transcript NM_001199107.2 (MANE Select); coding-DNA position 929, C replaced by T.
Protein change: p.Ala310Val; replaces alanine 310 with valine.
Molecular consequence: missense variant.
Genome position (GRCh38, 1-based): chr16:2,497,077, C>T. VCF-style: chr16-2497077-C-T. GRCh37 (hg19) VCF-style: chr16-2547078-C-T.
Other names: c.929C>T, p.Ala310Val (NM_020705.3); short protein forms A310V.
Identifiers: ClinVar variation 934668 (VCV000934668.12), dbSNP rs1160994039, ClinGen allele CA394377991.
Genomic context (GRCh38, chr16:2,497,077, plus strand): 5'-TCGCCATCCGCCTCTTCTCCCGCAAGGAGATCCAGCTCCTGCAGATGGCCAATGAGAAAG[C>T]CCTGAAGCAGAAGGGCATCACCGTGAAGCAGAAGAGGTAGGTCGCCGGCAGCCTGTGAGG-3'
Protein context (NP_001186036.1, residues 300-320): IQLLQMANEK[Ala310Val]LKQKGITVKQ